The following is an entry in ClinVar:

NM_003458.4(BSN):c.8020G>A (p.Val2674Met)

Gene: BSN (bassoon presynaptic cytomatrix protein; plus strand). Cytogenetic location: 3p21.31.
Variant type: single nucleotide variant.
Coding change: c.8020G>A on transcript NM_003458.4 (MANE Select); coding-DNA position 8020, G replaced by A.
Protein change: p.Val2674Met; replaces valine 2674 with methionine.
Molecular consequence: missense variant.
Genome position (GRCh38, 1-based): chr3:49,657,576, G>A. VCF-style: chr3-49657576-G-A. GRCh37 (hg19) VCF-style: chr3-49695009-G-A.
Other names: short protein forms V2674M.
Identifiers: ClinVar variation 2631997 (VCV002631997.2), dbSNP rs941024231, ClinGen allele CA74538615.

ClinVar aggregate classification (germline): Uncertain significance (1 of 4 stars; one submission).

Conditions:
BSN-related disorder. Also called: BSN-related condition.

Allele frequency attached by ClinVar (database versions not stated): gnomAD 0.00001; TOPMed 0.00003; gnomAD exomes 0.00004.
gnomAD v4.1: 66 of 1,612,804 alleles (0.0041%); highest among the groups gnomAD compares: East Asian, 0.0089%; no homozygotes.

Submission:

PreventionGenetics, part of Exact Sciences
Classification: Uncertain significance for BSN-related condition. Last evaluated: 2025-05-05. Review status: criteria provided, single submitter. Criteria: ACMG Guidelines, 2015. Collection method: clinical testing. Allele origin: germline.
Comment: The BSN c.8020G>A variant is predicted to result in the amino acid substitution p.Val2674Met. To our knowledge, this variant has not been reported in the literature. This variant is reported in 0.0016% of alleles in individuals of European (Non-Finnish) descent in gnomAD. At this time, the clinical significance of this variant is uncertain due to the absence of conclusive functional and genetic evidence.